The following is an entry in ClinVar:

NM_177438.3(DICER1):c.2332A>G (p.Thr778Ala)

Gene: DICER1 (dicer 1, ribonuclease III; minus strand). Cytogenetic location: 14q32.13.
Variant type: single nucleotide variant.
Coding change: c.2332A>G on transcript NM_177438.3 (MANE Select); coding-DNA position 2332, A replaced by G.
Protein change: p.Thr778Ala; replaces threonine 778 with alanine.
Molecular consequence: missense variant.
Genome position (GRCh38, 1-based): chr14:95,108,428, T>C on the plus strand (A>G on the coding strand, the complement: DICER1 is on the minus strand). VCF-style: chr14-95108428-T-C. GRCh37 (hg19) VCF-style: chr14-95574765-T-C.
Other names: c.2332A>G, p.Thr778Ala (NM_001195573.1, NM_001271282.3, NM_001291628.2 and 1 more transcripts); short protein forms T778A.
Identifiers: ClinVar variation 1519029 (VCV001519029.12), dbSNP rs2140032797, ClinGen allele CA390882274.

ClinVar aggregate classification (germline): Uncertain significance. Review status: criteria provided, multiple submitters, no conflicts (2 of 4 stars). 2 submissions from 2 submitters: Uncertain significance (2). Last evaluated 2024-08-28.

Conditions:
Hereditary cancer-predisposing syndrome. Also called: Neoplastic Syndromes, Hereditary; Hereditary Cancer Syndrome; Tumor predisposition; Hereditary neoplastic syndrome. Identifiers: Orphanet 140162, MedGen C0027672, MeSH D009386, MONDO:0015356.
DICER1-related tumor predisposition. Also called: DICER1 syndrome; DICER1-related pleuropulmonary blastoma cancer predisposition syndrome. Identifiers: Orphanet 284343, MedGen C3839822, MONDO:0100216.

Submissions (2):

Labcorp Genetics (formerly Invitae), Labcorp
Classification: Uncertain significance for DICER1-related tumor predisposition. Last evaluated: 2024-08-28. Review status: criteria provided, single submitter. Criteria: Invitae Variant Classification Sherloc (09022015). Collection method: clinical testing. Allele origin: germline.
Comment: This sequence change replaces threonine, which is neutral and polar, with alanine, which is neutral and non-polar, at codon 778 of the DICER1 protein (p.Thr778Ala). This variant is not present in population databases (gnomAD no frequency). This variant has not been reported in the literature in individuals affected with DICER1-related conditions. ClinVar contains an entry for this variant (Variation ID: 1519029). Invitae Evidence Modeling of protein sequence and biophysical properties (such as structural, functional, and spatial information, amino acid conservation, physicochemical variation, residue mobility, and thermodynamic stability) indicates that this missense variant is not expected to disrupt DICER1 protein function with a negative predictive value of 80%. In summary, the available evidence is currently insufficient to determine the role of this variant in disease. Therefore, it has been classified as a Variant of Uncertain Significance.

Ambry Genetics
Classification: Uncertain significance for Hereditary cancer-predisposing syndrome. Last evaluated: 2024-07-24. Review status: criteria provided, single submitter. Criteria: Ambry Variant Classification Scheme 2023. Collection method: clinical testing. Allele origin: germline.
Comment: The p.T778A variant (also known as c.2332A>G), located in coding exon 14 of the DICER1 gene, results from an A to G substitution at nucleotide position 2332. The threonine at codon 778 is replaced by alanine, an amino acid with similar properties. This amino acid position is highly conserved in available vertebrate species. In addition, the in silico prediction for this alteration is inconclusive. Based on the available evidence, the clinical significance of this variant remains unclear.